The following is an entry in ClinVar:

ClinVar aggregate classification (germline): Likely pathogenic (1 of 4 stars; one submission).

Submission:

Dasa
Classification: Likely pathogenic. Last evaluated: 2024-12-11. Review status: criteria provided, single submitter. Criteria: DASA Assertion Criteria. Collection method: clinical testing. Allele origin: germline.
Comment: NM_004360.5(CDH1):c.636_639dup (p.Leu214Metfs*10) is a frameshift variant in CDH1 predicted to alter the reading frame and introduce a premature termination codon and is predicted to result in an absent or altered protein product. Loss of function is an established disease mechanism for CDH1 (PMID: 26182300; PMID: 24037103; PMID: 19168852). Also, this variant is absent from population databases. Based on the currently available evidence, this variant is classified as likely pathogenic.

Literature cited by the submitters: PubMed 26182300; PubMed 24037103; PubMed 19168852.

NM_004360.5(CDH1):c.636_639dup (p.Leu214fs)

Gene: CDH1 (cadherin 1; plus strand). Cytogenetic location: 16q22.1.
Variant type: Duplication.
Coding change: c.636_639dup on transcript NM_004360.5 (MANE Select); coding-DNA positions 636 to 639, 4 bases duplicated (ATGG; older notation c.636_639dupATGG).
Protein change: p.Leu214fs; shifts the reading frame from leucine 214.
Molecular consequence: frameshift variant. On other transcripts: 5 prime UTR variant (2).
Genome position (GRCh38, 1-based): chr16:68,808,797-68,808,800, ATGG duplicated; duplicating any 4 consecutive bases within chr16:68,808,795-68,808,800 gives the same sequence; the c. name uses the placement nearest the transcript's 3' end. VCF-style (leftmost placement, unchanged base first): chr16-68808794-A-AGGAT. GRCh37 (hg19) VCF-style: chr16-68842697-A-AGGAT.
Other names: c.636_639dup, p.Leu214fs (NM_001317184.2); c.-980_-977dup (NM_001317185.2); c.-1184_-1181dup (NM_001317186.2); short protein forms L214fs.
Identifiers: ClinVar variation 4886562 (VCV004886562.2).